The following is an entry in ClinVar:

NM_024426.6(WT1):c.1105G>A (p.Gly369Ser)

Gene: WT1 (WT1 transcription factor; minus strand). Cytogenetic location: 11p13.
Variant type: single nucleotide variant.
Coding change: c.1105G>A on transcript NM_024426.6 (MANE Select); coding-DNA position 1105, G replaced by A.
Protein change: p.Gly369Ser; replaces glycine 369 with serine.
Molecular consequence: missense variant. On other transcripts: 5 prime UTR variant (1), non-coding transcript variant (2).
Genome position (GRCh38, 1-based): chr11:32,399,956, C>T on the plus strand (G>A on the coding strand, the complement: WT1 is on the minus strand). VCF-style: chr11-32399956-C-T. GRCh37 (hg19) VCF-style: chr11-32421502-C-T.
Other names: c.1054G>A, p.Gly352Ser (NM_000378.6, NM_001407045.1, NM_001407048.1 and 1 more transcripts); c.454G>A, p.Gly152Ser (NM_001198551.2); c.403G>A, p.Gly135Ser (NM_001198552.2); c.-84G>A (NM_001367854.1); c.1099G>A, p.Gly367Ser (NM_001407044.1); c.1105G>A, p.Gly369Ser (NM_001407046.1, NM_024424.5); c.982G>A, p.Gly328Ser (NM_001407047.1); c.931G>A, p.Gly311Ser (NM_001407050.1); and 3 more; short protein forms G115S, G135S, G152S, G279S, G296S, G311S, G328S, G352S.
Identifiers: ClinVar variation 3749772 (VCV003749772.2).

ClinVar aggregate classification (germline): Uncertain significance (1 of 4 stars; one submission).

Conditions:
Wilms tumor 1 (WT1). Also called: Wilms tumor, somatic. Identifiers: Orphanet 654, MedGen CN033288, MONDO:0008679, OMIM 194070.
11p partial monosomy syndrome (WAGR). Also called: WAGR syndrome; WAGR Complex; CHROMOSOME 11p13 DELETION SYNDROME; WAGR Spectrum Disorder. Identifiers: Orphanet 893, MedGen C0206115, MONDO:0008681, OMIM 194072.
Frasier syndrome. Identifiers: Orphanet 347, MedGen C0950122, MeSH D052159, MONDO:0007635, OMIM 136680.
Drash syndrome (DDS). Also called: NEPHROPATHY, WILMS TUMOR, AND GENITAL ANOMALIES; WILMS TUMOR AND PSEUDO- OR TRUE HERMAPHRODITISM. Identifiers: Orphanet 220, MedGen C0950121, MONDO:0008682, OMIM 194080.

Submission:

Labcorp Genetics (formerly Invitae), Labcorp
Classification: Uncertain significance for Wilms tumor 1; Drash syndrome; 11p partial monosomy syndrome; Frasier syndrome. Last evaluated: 2024-06-09. Review status: criteria provided, single submitter. Criteria: Invitae Variant Classification Sherloc (09022015). Collection method: clinical testing. Allele origin: germline.
Comment: This sequence change replaces glycine, which is neutral and non-polar, with serine, which is neutral and polar, at codon 364 of the WT1 protein (p.Gly364Ser). This variant is present in population databases (no rsID available, gnomAD 0.0009%). This variant has not been reported in the literature in individuals affected with WT1-related conditions. An algorithm developed to predict the effect of missense changes on protein structure and function (PolyPhen-2) suggests that this variant is likely to be disruptive. In summary, the available evidence is currently insufficient to determine the role of this variant in disease. Therefore, it has been classified as a Variant of Uncertain Significance.